The following is an entry in ClinVar:

NM_178161.3(PTF1A):c.832G>A (p.Gly278Arg)

Gene: PTF1A (pancreas associated transcription factor 1a; plus strand). Cytogenetic location: 10p12.2.
Variant type: single nucleotide variant.
Coding change: c.832G>A on transcript NM_178161.3 (MANE Select); coding-DNA position 832, G replaced by A.
Protein change: p.Gly278Arg; replaces glycine 278 with arginine.
Molecular consequence: missense variant.
Genome position (GRCh38, 1-based): chr10:23,193,751, G>A. VCF-style: chr10-23193751-G-A. GRCh37 (hg19) VCF-style: chr10-23482680-G-A.
Other names: short protein forms G278R.
Identifiers: ClinVar variation 5007698 (VCV005007698.2).

ClinVar aggregate classification (germline): Uncertain significance (1 of 4 stars; one submission).

Conditions:
Pancreatic agenesis 2 (PAGEN2). Also called: PANCREATIC HYPOPLASIA, CONGENITAL 2. Identifiers: Orphanet 2805, MedGen C4014737, MONDO:0014406, OMIM 615935.
Permanent neonatal diabetes mellitus-pancreatic and cerebellar agenesis syndrome. Also called: PANCREATIC AND CEREBELLAR AGENESIS. Identifiers: Orphanet 65288, MedGen C1836780, MONDO:0012192, OMIM 609069.

gnomAD v4.1: 10 of 1,613,834 alleles (0.00062%); highest among the groups gnomAD compares: African/African-American, 0.0013%; no homozygotes.

Submission:

Juno Genomics, Hangzhou Juno Genomics, Inc
Classification: Uncertain significance for Pancreatic agenesis 2; Permanent neonatal diabetes mellitus-pancreatic and cerebellar agenesis syndrome. Review status: criteria provided, single submitter. Criteria: ACMG Guidelines, 2015. Collection method: clinical testing. Allele origin: germline.
Comment: Absent from controls (or at extremely low frequency if recessive) in Genome Aggregation Database.;Multiple lines of computational evidence support a deleterious effect on the gene or gene product.